The following is an entry in ClinVar:

ClinVar aggregate classification (germline): Uncertain significance. Review status: criteria provided, multiple submitters, no conflicts (2 of 4 stars). 4 submissions from 4 submitters: Uncertain significance (2). 2 of the submissions do not count toward it. Last evaluated 2026-01-18.

Allele frequency attached by ClinVar (database versions not stated): gnomAD 0.00002 and 0.00003; gnomAD exomes 0.00002 and 0.00003; ExAC 0.00003; TOPMed 0.00005.
gnomAD v4.1: 38 of 1,612,756 alleles (0.0024%); highest among the groups gnomAD compares: Middle Eastern, 0.066%; no homozygotes.

Submissions (4):

Labcorp Genetics (formerly Invitae), Labcorp
Classification: Uncertain significance. Last evaluated: 2026-01-18. Review status: criteria provided, single submitter. Criteria: Invitae Variant Classification Sherloc (09022015). Collection method: clinical testing. Allele origin: germline.
Comment: This sequence change replaces threonine, which is neutral and polar, with alanine, which is neutral and non-polar, at codon 826 of the NIN protein (p.Thr826Ala). This variant is present in population databases (rs754588503, gnomAD 0.005%). This variant has not been reported in the literature in individuals affected with NIN-related conditions. ClinVar contains an entry for this variant (Variation ID: 1206237). An algorithm developed to predict the effect of missense changes on protein structure and function outputs the following: PolyPhen-2: "Benign". The alanine amino acid residue is found in multiple mammalian species, which suggests that this missense change does not adversely affect protein function. In summary, the available evidence is currently insufficient to determine the role of this variant in disease. Therefore, it has been classified as a Variant of Uncertain Significance.

Ambry Genetics
Classification: Uncertain significance. Last evaluated: 2025-03-05. Review status: criteria provided, single submitter. Criteria: Ambry Variant Classification Scheme 2023. Collection method: clinical testing. Allele origin: germline.

Clinical Genetics DNA and cytogenetics Diagnostics Lab, Erasmus MC, Erasmus Medical Center
Classification: Likely benign. Review status: no assertion criteria provided. Collection method: clinical testing. Allele origin: germline. Affected: yes. Study: VKGL Data-share Consensus. Not counted in ClinVar's aggregate classification.

Laboratory of Diagnostic Genome Analysis, Leiden University Medical Center (LUMC)
Classification: Likely benign. Review status: no assertion criteria provided. Collection method: clinical testing. Allele origin: germline. Affected: yes. Study: VKGL Data-share Consensus. Not counted in ClinVar's aggregate classification.

NM_020921.4(NIN):c.2476A>G (p.Thr826Ala)

Gene: NIN (ninein; minus strand). Cytogenetic location: 14q22.1.
Variant type: single nucleotide variant.
Coding change: c.2476A>G on transcript NM_020921.4 (MANE Select); coding-DNA position 2476, A replaced by G.
Protein change: p.Thr826Ala; replaces threonine 826 with alanine.
Molecular consequence: missense variant. On other transcripts: intron variant (1).
Genome position (GRCh38, 1-based): chr14:50,758,554, T>C on the plus strand (A>G on the coding strand, the complement: NIN is on the minus strand). VCF-style: chr14-50758554-T-C. GRCh37 (hg19) VCF-style: chr14-51225272-T-C.
Other names: c.2476A>G, p.Thr826Ala (NM_182944.3, NM_182946.2); c.2399+1303A>G (NM_016350.5); c.2476A>G (NM_020921.3); short protein forms T826A.
Identifiers: ClinVar variation 1206237 (VCV001206237.4), dbSNP rs754588503, ClinGen allele CA7181926.